The following is an entry in ClinVar:

NM_001018113.3(FANCB):c.2168A>G (p.Asn723Ser)

Gene: FANCB (FA complementation group B; minus strand). Cytogenetic location: Xp22.2.
Variant type: single nucleotide variant.
Coding change: c.2168A>G on transcript NM_001018113.3 (MANE Select); coding-DNA position 2168, A replaced by G.
Protein change: p.Asn723Ser; replaces asparagine 723 with serine.
Molecular consequence: missense variant.
Genome position (GRCh38, 1-based): chrX:14,843,979, T>C on the plus strand (A>G on the coding strand, the complement: FANCB is on the minus strand). VCF-style: chrX-14843979-T-C. GRCh37 (hg19) VCF-style: chrX-14862101-T-C.
Other names: c.2168A>G, p.Asn723Ser (NM_001324162.2, NM_152633.4); short protein forms N723S.
Identifiers: ClinVar variation 652059 (VCV000652059.10), dbSNP rs1300715683, ClinGen allele CA412438018.

ClinVar aggregate classification (germline): Uncertain significance (1 of 4 stars; one submission).

Conditions:
Fanconi anemia (FA). Also called: Fanconi's anemia. Identifiers: Orphanet 84, MedGen C0015625, MeSH D005199, MONDO:0019391.

Allele frequency attached by ClinVar (database versions not stated): TOPMed 0.00001.

Submission:

Labcorp Genetics (formerly Invitae), Labcorp
Classification: Uncertain significance for Fanconi anemia. Last evaluated: 2022-09-01. Review status: criteria provided, single submitter. Criteria: Invitae Variant Classification Sherloc (09022015). Collection method: clinical testing. Allele origin: germline.
Comment: In summary, the available evidence is currently insufficient to determine the role of this variant in disease. Therefore, it has been classified as a Variant of Uncertain Significance. Algorithms developed to predict the effect of missense changes on protein structure and function output the following: SIFT: "Tolerated"; PolyPhen-2: "Benign"; Align-GVGD: "Class C0". The serine amino acid residue is found in multiple mammalian species, which suggests that this missense change does not adversely affect protein function. This sequence change replaces asparagine, which is neutral and polar, with serine, which is neutral and polar, at codon 723 of the FANCB protein (p.Asn723Ser). This variant is not present in population databases (gnomAD no frequency). This variant has not been reported in the literature in individuals affected with FANCB-related conditions. ClinVar contains an entry for this variant (Variation ID: 652059).